The following is an entry in ClinVar:

ClinVar aggregate classification (germline): Uncertain significance (1 of 4 stars; one submission).

Conditions:
Developmental and epileptic encephalopathy, 14 (DEE14). Also called: Early infantile epileptic encephalopathy 14. Identifiers: Orphanet 293181, MedGen C3554195, MONDO:0013989, OMIM 614959.
Autosomal dominant nocturnal frontal lobe epilepsy 5. Also called: KCNT1-Related Epilepsy; Epilepsy, nocturnal frontal lobe, 5; CILIARY DYSKINESIA, PRIMARY, 28, WITHOUT SITUS INVERSUS; CILIARY DYSKINESIA, PRIMARY, 28, WITH SITUS INVERSUS. Identifiers: Orphanet 98784, MedGen C3554306, MONDO:0014002, OMIM 615005.

Submission:

Labcorp Genetics (formerly Invitae), Labcorp
Classification: Uncertain significance for Autosomal dominant nocturnal frontal lobe epilepsy 5; Developmental and epileptic encephalopathy, 14. Last evaluated: 2022-07-26. Review status: criteria provided, single submitter. Criteria: Invitae Variant Classification Sherloc (09022015). Collection method: clinical testing. Allele origin: germline.
Comment: ClinVar contains an entry for this variant (Variation ID: 1521100). In summary, the available evidence is currently insufficient to determine the role of this variant in disease. Therefore, it has been classified as a Variant of Uncertain Significance. This variant has not been reported in the literature in individuals affected with KCNT1-related conditions. This variant, c.1892_1900del, results in the deletion of 3 amino acid(s) of the KCNT1 protein (p.Glu631_Ser633del), but otherwise preserves the integrity of the reading frame. This variant is not present in population databases (gnomAD no frequency).

NM_020822.3(KCNT1):c.1892_1900del (p.Glu631_Ser633del)

Gene: KCNT1 (potassium sodium-activated channel subfamily T member 1; plus strand). Cytogenetic location: 9q34.3.
Variant type: Deletion.
Coding change: c.1892_1900del on transcript NM_020822.3 (MANE Select); coding-DNA positions 1892 to 1900, 9 bases deleted (AGAACTCGG; older notation c.1892_1900delAGAACTCGG).
Protein change: p.Glu631_Ser633del.
Molecular consequence: inframe deletion.
Genome position (GRCh38, 1-based): chr9:135,770,979-135,770,987, AGAACTCGG deleted; deleting any 9 consecutive bases within chr9:135,770,977-135,770,987 gives the same sequence; the c. name uses the placement nearest the transcript's 3' end. VCF-style (leftmost placement, unchanged base first): chr9-135770976-AGGAGAACTC-A. GRCh37 (hg19) VCF-style: chr9-138662822-AGGAGAACTC-A.
Other names: c.1757_1765del, p.Glu586_Ser588del (NM_001272003.2).
Identifiers: ClinVar variation 1521100 (VCV001521100.6), dbSNP rs2131511280, ClinGen allele CA2573144177.